The following is an entry in ClinVar:

NM_001001331.4(ATP2B2):c.2943C>T (p.Ser981=)

Gene: ATP2B2 (ATPase plasma membrane Ca2+ transporting 2; minus strand). Cytogenetic location: 3p25.3.
Variant type: single nucleotide variant.
Coding change: c.2943C>T on transcript NM_001001331.4 (MANE Select); coding-DNA position 2943, C replaced by T.
Protein change: p.Ser981=; no amino-acid change (serine 981 retained).
Molecular consequence: synonymous variant.
Genome position (GRCh38, 1-based): chr3:10,340,679, G>A on the plus strand (C>T on the coding strand, the complement: ATP2B2 is on the minus strand). VCF-style: chr3-10340679-G-A. GRCh37 (hg19) VCF-style: chr3-10382363-G-A.
Other names: c.2808C>T, p.Ser936= (NM_001330611.3, NM_001353564.1, NM_001363862.1 and 1 more transcripts); c.2808C>T (NM_001683.3).
Identifiers: ClinVar variation 3630293 (VCV003630293.3).

ClinVar aggregate classification (germline): Benign/Likely benign. Review status: criteria provided, multiple submitters, no conflicts (2 of 4 stars). 2 submissions from 2 submitters: Benign (1); Likely benign (1). Last evaluated 2025-10-23.

Conditions:
ATP2B2-related disorder. Also called: ATP2B2-related condition.

gnomAD v4.1: 389 of 1,614,132 alleles (0.024%); highest among the groups gnomAD compares: South Asian, 0.35%; 3 homozygotes.

Submissions (2):

Labcorp Genetics (formerly Invitae), Labcorp
Classification: Benign. Last evaluated: 2025-10-23. Review status: criteria provided, single submitter. Criteria: Invitae Variant Classification Sherloc (09022015). Collection method: clinical testing. Allele origin: germline.

PreventionGenetics, part of Exact Sciences
Classification: Likely benign for ATP2B2-related condition. Last evaluated: 2025-01-19. Review status: criteria provided, single submitter. Criteria: ACMG Guidelines, 2015. Collection method: clinical testing. Allele origin: germline.
Comment: This variant is classified as likely benign based on ACMG/AMP sequence variant interpretation guidelines (Richards et al. 2015 PMID: 25741868, with internal and published modifications).